The following is an entry in ClinVar:

NM_007294.4(BRCA1):c.5168T>G (p.Ile1723Ser)

Gene: BRCA1 (BRCA1 DNA repair associated; minus strand). Cytogenetic location: 17q21.31.
Variant type: single nucleotide variant.
Coding change: c.5168T>G on transcript NM_007294.4 (MANE Select); coding-DNA position 5168, T replaced by G.
Protein change: p.Ile1723Ser; replaces isoleucine 1723 with serine.
Molecular consequence: missense variant. On other transcripts: non-coding transcript variant (1).
Genome position (GRCh38, 1-based): chr17:43,063,358, A>C on the plus strand (T>G on the coding strand, the complement: BRCA1 is on the minus strand). VCF-style: chr17-43063358-A-C. GRCh37 (hg19) VCF-style: chr17-41215375-A-C.
Other names: c.4955T>G, p.Ile1652Ser (NM_001407571.1, NM_001407900.1, NM_001407902.1 and 12 more transcripts); c.5234T>G, p.Ile1745Ser (NM_001407581.1, NM_001407582.1); c.5231T>G, p.Ile1744Ser (NM_001407583.1, NM_001407585.1, NM_001407587.1 and 1 more transcripts); c.5228T>G, p.Ile1743Ser (NM_001407590.1, NM_001407591.1); c.5168T>G, p.Ile1723Ser (NM_001407593.1, NM_001407594.1, NM_001407596.1 and 7 more transcripts); c.5165T>G, p.Ile1722Ser (NM_001407610.1, NM_001407611.1, NM_001407612.1 and 17 more transcripts); c.5162T>G, p.Ile1721Ser (NM_001407629.1, NM_001407630.1, NM_001407631.1 and 14 more transcripts); c.5108T>G, p.Ile1703Ser (NM_001407649.1); and 72 more; short protein forms I1676S, I619S, I1744S, I1723S, I1652S, I1653S, I1654S, I1655S.
Identifiers: ClinVar variation 867429 (VCV000867429.3), dbSNP rs1064793533, ClinGen allele CA10591208.

Conditions:
Breast-ovarian cancer, familial, susceptibility to, 1 (BROVCA1). Also called: BRCA1 Hereditary Breast and Ovarian Cancer; OVARIAN CANCER, SUSCEPTIBILITY TO. Identifiers: Orphanet 145, MedGen C2676676, MONDO:0011450, OMIM 604370. Disease mechanism: loss of function.

Allele frequency attached by ClinVar (database versions not stated): gnomAD exomes below 0.00001.
gnomAD v4.1: 1 of 1,611,582 alleles (0.000062%); highest among the groups gnomAD compares: Non-Finnish European, 0.000085%; no homozygotes.

Submission:

Brotman Baty Institute, University of Washington
No classification provided (evidence only). Condition: Breast-ovarian cancer, familial 1. Review status: no classification provided. Collection method: in vitro. Allele origin: not applicable. Functional consequence: functionally_normal.
ClinVar note: "not provided" was previously submitted as the classification for the variant. However, the classification appeared to be based only on an observation of functional data so it was converted to no classification on 2025-07-30.